The following is an entry in ClinVar:

NM_000179.3(MSH6):c.1063G>A (p.Gly355Ser)

Gene: MSH6 (mutS homolog 6; plus strand). Cytogenetic location: 2p16.3.
Variant type: single nucleotide variant.
Coding change: c.1063G>A on transcript NM_000179.3 (MANE Select); coding-DNA position 1063, G replaced by A.
Protein change: p.Gly355Ser; replaces glycine 355 with serine.
Molecular consequence: missense variant.
Genome position (GRCh38, 1-based): chr2:47,799,046, G>A. VCF-style: chr2-47799046-G-A. GRCh37 (hg19) VCF-style: chr2-48026185-G-A.
Other names: p.G355S:GGT>AGT; c.673G>A, p.Gly225Ser (NM_001281492.2); c.157G>A, p.Gly53Ser (NM_001281493.2, NM_001281494.2); short protein forms G355S, G225S, G53S.
Identifiers: ClinVar variation 134851 (VCV000134851.38), dbSNP rs587778531, ClinGen allele CA007937.

ClinVar aggregate classification (germline): Conflicting classifications of pathogenicity. Review status: criteria provided, conflicting classifications (1 of 4 stars). 15 submissions from 15 submitters: Uncertain significance (4); Benign (2); Likely benign (6). 3 of the submissions do not count toward it. Last evaluated 2026-09-03.

Conditions:
MSH6-related disorder. Also called: MSH6-related condition; MSH6-Related disorders.
Hereditary nonpolyposis colorectal neoplasms. Identifiers: MedGen C0009405, MeSH D003123.
Hereditary cancer-predisposing syndrome. Also called: Neoplastic Syndromes, Hereditary; Tumor predisposition; Hereditary neoplastic syndrome; Hereditary Cancer Syndrome. Identifiers: Orphanet 140162, MedGen C0027672, MeSH D009386, MONDO:0015356.
Mismatch repair cancer syndrome 1 (MMRCS1). Also called: MISMATCH REPAIR DEFICIENCY; MMR DEFICIENCY; BRAIN TUMOR-POLYPOSIS SYNDROME 1; BTP1 SYNDROME; CHILDHOOD CANCER SYNDROME. Identifiers: Orphanet 252202, MedGen C5399763, MONDO:0010159, OMIM 276300. Disease mechanism: loss of function.
Endometrial carcinoma. Also called: Endometrial carcinoma, somatic. Identifiers: MedGen C0476089, MONDO:0002447, OMIM 608089, HP:0012114.
Lynch syndrome 5 (LYNCH5). Also called: Colorectal cancer, hereditary nonpolyposis, type 5; Hereditary non-polyposis colorectal cancer, type 5. Identifiers: Orphanet 144, MedGen C1833477, MONDO:0013710, OMIM 614350. Disease mechanism: loss of function.
Malignant tumor of breast. Also called: Malignant breast neoplasm; Cancer breast. Identifiers: MedGen C0006142, MONDO:0007254. Disease mechanism: loss of function.

Allele frequency attached by ClinVar (database versions not stated): gnomAD exomes 0.00012 and 0.00004; TOPMed 0.00019; gnomAD 0.00009 and 0.00010; ExAC 0.00009.
gnomAD v4.1: 76 of 1,614,080 alleles (0.0047%); highest among the groups gnomAD compares: East Asian, 0.11%; no homozygotes.

Submissions (15):

Myriad Genetics, Inc.
Classification: Benign for Lynch syndrome 5. Last evaluated: 2026-09-03. Review status: criteria provided, single submitter. Criteria: Myriad Autosomal Dominant, Autosomal Recessive and X-Linked Classification Criteria (2023). Collection method: clinical testing. Allele origin: unknown.
Comment: This variant is considered benign. This variant is strongly associated with less severe personal and family histories of cancer, typical for individuals without pathogenic variants in this gene [PMID: 27363726]. Homozygosity for this variant has been confirmed in one or more individuals lacking clinical features consistent with gene-specific recessive disease, indicating that this variant is unlikely to be pathogenic.

PreventionGenetics, part of Exact Sciences
Classification: Likely benign for MSH6-related condition. Last evaluated: 2026-05-23. Review status: criteria provided, single submitter. Criteria: ACMG Guidelines, 2015. Collection method: clinical testing. Allele origin: germline.
Comment: This variant is classified as likely benign based on ACMG/AMP sequence variant interpretation guidelines (Richards et al. 2015 PMID: 25741868, with internal and published modifications).

Labcorp Genetics (formerly Invitae), Labcorp
Classification: Likely benign for Hereditary nonpolyposis colorectal neoplasms. Last evaluated: 2026-01-28. Review status: criteria provided, single submitter. Criteria: Invitae Variant Classification Sherloc (09022015). Collection method: clinical testing. Allele origin: germline.

Quest Diagnostics Nichols Institute San Juan Capistrano
Classification: Likely benign. Last evaluated: 2025-04-28. Review status: criteria provided, single submitter. Criteria: Quest Diagnostics criteria. Collection method: clinical testing. Allele origin: unknown.

Women's Health and Genetics/Laboratory Corporation of America, LabCorp
Classification: Likely benign. Last evaluated: 2025-03-03. Review status: criteria provided, single submitter. Criteria: LabCorp Variant Classification Summary - May 2015. Collection method: clinical testing. Allele origin: germline.
Comment: Variant summary: MSH6 c.1063G>A (p.Gly355Ser) results in a non-conservative amino acid change in the encoded protein sequence. Three of five in-silico tools predict a benign effect of the variant on protein function. The variant allele was found at a frequency of 0.00012 in 251204 control chromosomes, predominantly at a frequency of 0.0014 within the East Asian subpopulation in the gnomAD database. The observed variant frequency within East Asian control individuals in the gnomAD database is approximately 10 fold of the estimated maximal expected allele frequency for a pathogenic variant in MSH6 causing Hereditary Nonpolyposis Colorectal Cancer phenotype (0.00014). c.1063G>A has been reported in the literature in individuals affected with a variety of cancers (example, Yu_2015, Chao_2019). These report(s) do not provide unequivocal conclusions about association of the variant with Hereditary Nonpolyposis Colorectal Cancer/Lynch syndrome. At-least one co-occurrence with other pathogenic variant(s) have been reported (BRCA1 c.5527G>C, p.Ala1843Pro), providing supporting evidence for a benign role. To our knowledge, no experimental evidence demonstrating an impact on protein function has been reported. The following publications have been ascertained in the context of this evaluation (PMID: 26530882, 31307542). ClinVar contains an entry for this variant (Variation ID: 134851). Based on the evidence outlined above, the variant was classified as likely benign.

Blueprint Genetics
Classification: Likely benign. Last evaluated: 2024-10-23. Review status: criteria provided, single submitter. Criteria: ACMG Guidelines, 2015. Collection method: clinical testing. Allele origin: germline.

Color Diagnostics, LLC DBA Color Health
Classification: Benign for Hereditary cancer-predisposing syndrome. Last evaluated: 2024-10-09. Review status: criteria provided, single submitter. Criteria: ACMG Guidelines, 2015. Collection method: clinical testing. Allele origin: germline.

Ambry Genetics
Classification: Likely benign for Hereditary cancer-predisposing syndrome. Last evaluated: 2022-11-23. Review status: criteria provided, single submitter. Criteria: Ambry Variant Classification Scheme 2023. Collection method: clinical testing. Allele origin: germline.

Sema4
Classification: Uncertain significance for Hereditary cancer-predisposing syndrome. Last evaluated: 2021-12-28. Review status: criteria provided, single submitter. Criteria: Sema4 Curation Guidelines. Collection method: curation. Allele origin: germline.
Comment: The MSH6 c.1063G>A (p.G355S) variant has been reported in heterozygosity in individuals with colorectal cancer (PMID: 31360874), endometrial cancer (PMID: 31307542), biliary tract cancer (PMID: 31666926), non-medullary thyroid cancer (PMID: 26530882), breast cancer (PMID: 32547938, 33471991), extramammary Paget disease (PMID: 27487738), and individuals unselected for hereditary cancer (PMID: 24728327). It was observed in 30/19952 chromosomes of the East Asian subpopulation, with no homozygotes, in the large and broad cohorts of the Genome Aggregation Database (PMID: 32461654). The variant has been reported in ClinVar (Variation ID 134851). Functional studies have not been performed, and in silico predictions of the variant's effect on protein function are inconclusive. The evidence is insufficient to meet ACMG/AMP criteria for classifying the variant as benign or pathogenic. Thus, the clinical significance of this variant is currently uncertain.

Institute for Clinical Genetics, University Hospital TU Dresden, University Hospital TU Dresden
Classification: Uncertain significance. Last evaluated: 2021-11-03. Review status: criteria provided, single submitter. Criteria: ACMG Guidelines, 2015. Collection method: clinical testing. Allele origin: germline.

GeneDx
Classification: Uncertain significance. Last evaluated: 2017-12-04. Review status: criteria provided, single submitter. Criteria: GeneDx Variant Classification (06012015). Collection method: clinical testing. Allele origin: germline. Affected: yes.
Comment: This variant is denoted MSH6 c.1063G>A at the cDNA level, p.Gly355Ser (G355S) at the protein level, and results in the change of a Glycine to a Serine (GGT>AGT). This variant was also observed in 1/62 healthy East Asian individuals undergoing whole genome sequencing (Bodian 2014); MSH6 Gly355Ser was observed at an allele frequency of 0.15% (29/18,868) in individuals of East Asian ancestry in large population cohorts (Lek 2016). Since Glycine and Serine differ in polarity, charge, size or other properties, this is considered a non-conservative amino acid substitution. MSH6 Gly355Ser is located within the nuclear localization signals (Gassman 2011). In-silico analyses, including protein predictors and evolutionary conservation, support that this variant does not alter protein structure or function. Based on currently available evidence, it is unclear whether MSH6 Gly355Ser is a pathogenic or benign variant. We consider it to be a variant of uncertain significance.

Fulgent Genetics
Classification: Uncertain significance for Mismatch repair cancer syndrome 1; Endometrial carcinoma; Lynch syndrome 5. Last evaluated: 2017-05-23. Review status: criteria provided, single submitter. Criteria: ACMG Guidelines, 2015. Collection method: clinical testing. Allele origin: unknown.

Counsyl
Classification: Uncertain significance for Lynch syndrome 5. Last evaluated: 2015-12-18. Review status: no assertion criteria provided. Collection method: clinical testing. Allele origin: unknown. Not counted in ClinVar's aggregate classification.

ITMI
No classification provided. Condition: AllHighlyPenetrant. Last evaluated: 2013-09-19. Review status: no classification provided. Collection method: reference population. Allele origin: germline. Not counted in ClinVar's aggregate classification.
Comment: Please see associated publication for description of ethnicities

Department of Pathology and Laboratory Medicine, Sinai Health System
Classification: Uncertain significance for Malignant tumor of breast. Review status: no assertion criteria provided. Collection method: clinical testing. Allele origin: unknown. Affected: yes. Observed: 1 variant allele. Study: The Canadian Open Genetics Repository (COGR). Not counted in ClinVar's aggregate classification.
Comment: The MSH6 p.Gly355Ser variant was identified in 1 of 76 proband chromosomes (frequency: 0.01) from individuals or families with familial or sporadic non-medullary thyroid cancer, being identified in 2 affected members of the same family; and in 1 of 1362 chromosomes from healthy individuals (frequency: 0.0007) (Yu_2015_26530882, Bodian_2014_24728327). The variant was also identified in dbSNP (ID: rs587778531) â€šÃ„ÃºWith Uncertain significance alleleâ€šÃ„Ã¹, ClinVar (classified with conflicting interpretations of pathogenicity; submitters: likely benign by Invitae, uncertain significance by Ambry Genetics, GeneDx, Counsyl, Fulgent Genetics, and classification not provided by ITMI), Clinvitae (4x), Insight Hereditary Tumors Database (1x). The variant was not identified in GeneInsight-COGR, Cosmic, MutDB, UMD-LSDB, Insight Colon Cancer Gene Variant Database, Zhejiang Colon Cancer Database, or Mismatch Repair Genes Variant Database. The variant was identified in control databases in 33 of 276930 chromosomes at a frequency of 0.0001 increasing the likelihood this could be a low frequency benign variant (Genome Aggregation Database Feb 27, 2017). Breakdown of the observations by population include Other in 1 of 6466 chromosomes (freq: 0.0002), East Asian in 29 of 18868 chromosomes (freq: 0.002), and South Asian in 3 of 30782 chromosomes (freq: 0.0001) while not observed in the African, Latino, European Non-Finnish, Ashkenazi Jewish and European Finnish populations. The p.Gly355 residue is conserved in mammals but not in more distantly related organisms; however, four out of five computational analyses (PolyPhen-2, SIFT, AlignGVGD, BLOSUM, MutationTaster) do not suggest a high likelihood that the Ser residue impacts the protein; this information is not predictive enough to rule out pathogenicity. The variant occurs outside of the splicing consensus sequence and 1 of 5 in silico or computational prediction software programs (SpliceSiteFinder, MaxEntScan, NNSPLICE, GeneSplicer, HumanSpliceFinder) predict a greater than 10% difference in splicing; this is not very predictive of pathogenicity. In summary, based on the above information the clinical significance of this variant cannot be determined with certainty at this time. This variant is classified as a variant of uncertain significance.

Literature cited by the submitters: PubMed 27363726 (cited by Myriad Genetics, Inc.); PubMed 35449176 (cited by Quest Diagnostics Nichols Institute San Juan Capistrano); PubMed 36243179 (cited by Quest Diagnostics Nichols Institute San Juan Capistrano); PubMed 38509102 (cited by Quest Diagnostics Nichols Institute San Juan Capistrano); PubMed 33471991 (cited by Quest Diagnostics Nichols Institute San Juan Capistrano and Sema4); PubMed 32547938 (cited by 3 submitters); PubMed 31666926 (cited by Quest Diagnostics Nichols Institute San Juan Capistrano and Sema4); PubMed 31307542 (cited by 4 submitters); PubMed 31360874 (cited by Quest Diagnostics Nichols Institute San Juan Capistrano and Sema4); PubMed 33563768 (cited by Quest Diagnostics Nichols Institute San Juan Capistrano); PubMed 26530882 (cited by 5 submitters); PubMed 27487738 (cited by 3 submitters); PubMed 24728327 (cited by 4 submitters); PubMed 28206961 (cited by Ambry Genetics).